The following is an entry in ClinVar:

NM_005236.3(ERCC4):c.1415C>T (p.Pro472Leu)

Gene: ERCC4 (ERCC excision repair 4, endonuclease catalytic subunit; plus strand). Cytogenetic location: 16p13.12.
Variant type: single nucleotide variant.
Coding change: c.1415C>T on transcript NM_005236.3 (MANE Select); coding-DNA position 1415, C replaced by T.
Protein change: p.Pro472Leu; replaces proline 472 with leucine.
Molecular consequence: missense variant.
Genome position (GRCh38, 1-based): chr16:13,935,347, C>T. VCF-style: chr16-13935347-C-T. GRCh37 (hg19) VCF-style: chr16-14029204-C-T.
Other names: short protein forms P472L.
Identifiers: ClinVar variation 134152 (VCV000134152.15), dbSNP rs572439259, ClinGen allele CA158918.

ClinVar aggregate classification (germline): Conflicting classifications of pathogenicity. Review status: criteria provided, conflicting classifications (1 of 4 stars). 6 submissions from 6 submitters: Uncertain significance (2); Likely benign (3). 1 of the submissions does not count toward it. Last evaluated 2026-01-22.

Conditions:
ERCC4-related disorder. Also called: ERCC4-related condition.
Xeroderma pigmentosum, group F (XPF). Also called: XERODERMA PIGMENTOSUM VI; XP, GROUP F; XERODERMA PIGMENTOSUM, COMPLEMENTATION GROUP F; ERCC4-Related Xeroderma Pigmentosum; XERODERMA PIGMENTOSUM, TYPE F; Xeroderma pigmentosum, type 6. Identifiers: MedGen C0268140, MONDO:0010215, OMIM 278760.
Cockayne syndrome. Identifiers: Orphanet 191, MedGen C0009207, MONDO:0016006.
Fanconi anemia complementation group Q. Identifiers: Orphanet 84, MedGen C3808988, MONDO:0014108, OMIM 615272.
XFE progeroid syndrome (XFEPS). Also called: XPF-ERCC1 PROGEROID SYNDROME. Identifiers: MedGen C1970416, MONDO:0012590, OMIM 610965.

Allele frequency attached by ClinVar (database versions not stated): gnomAD 0.00004 and 0.00005; TOPMed 0.00017; ExAC 0.00028.
gnomAD v4.1: 117 of 1,610,020 alleles (0.0073%); highest among the groups gnomAD compares: Admixed American, 0.19%; no homozygotes.

Submissions (6):

Labcorp Genetics (formerly Invitae), Labcorp
Classification: Likely benign for Fanconi anemia complementation group Q; Xeroderma pigmentosum, group F; Cockayne syndrome. Last evaluated: 2026-01-22. Review status: criteria provided, single submitter. Criteria: Invitae Variant Classification Sherloc (09022015). Collection method: clinical testing. Allele origin: germline.

PreventionGenetics, part of Exact Sciences
Classification: Likely benign for ERCC4-related condition. Last evaluated: 2024-12-30. Review status: criteria provided, single submitter. Criteria: ACMG Guidelines, 2015. Collection method: clinical testing. Allele origin: germline.
Comment: This variant is classified as likely benign based on ACMG/AMP sequence variant interpretation guidelines (Richards et al. 2015 PMID: 25741868, with internal and published modifications).

ARUP Laboratories, Molecular Genetics and Genomics, ARUP Laboratories
Classification: Likely benign. Last evaluated: 2024-05-14. Review status: criteria provided, single submitter. Criteria: ARUP Molecular Germline Variant Investigation Process 2024. Collection method: clinical testing. Allele origin: germline.

Department of Pathology and Laboratory Medicine, Sinai Health System
Classification: Uncertain significance for Xeroderma pigmentosum, group F; XFE progeroid syndrome; Fanconi anemia complementation group Q. Last evaluated: 2020-06-19. Review status: criteria provided, single submitter. Criteria: ACMG Guidelines, 2015. Collection method: research. Allele origin: germline.

Baylor Genetics
Classification: Uncertain significance for Fanconi anemia complementation group Q. Last evaluated: 2020-01-10. Review status: criteria provided, single submitter. Criteria: ACMG Guidelines, 2015. Collection method: clinical testing. Allele origin: unknown. Affected: yes. Study: CSER-TexasKidsCanSeq.
Comment: This variant was determined to be of uncertain significance according to ACMG Guidelines, 2015 [PMID:25741868].

ITMI
No classification provided. Condition: AllHighlyPenetrant. Last evaluated: 2013-09-19. Review status: no classification provided. Collection method: reference population. Allele origin: germline. Not counted in ClinVar's aggregate classification.
Comment: Please see associated publication for description of ethnicities

Literature cited by the submitters: PubMed 24728327 (cited by ITMI).